The following is an entry in ClinVar:

NM_006096.4(NDRG1):c.574G>A (p.Val192Met)

Gene: NDRG1 (N-myc downstream regulated 1; minus strand). Cytogenetic location: 8q24.22.
Variant type: single nucleotide variant.
Coding change: c.574G>A on transcript NM_006096.4 (MANE Select); coding-DNA position 574, G replaced by A.
Protein change: p.Val192Met; replaces valine 192 with methionine.
Molecular consequence: missense variant.
Genome position (GRCh38, 1-based): chr8:133,254,559, C>T on the plus strand (G>A on the coding strand, the complement: NDRG1 is on the minus strand). VCF-style: chr8-133254559-C-T. GRCh37 (hg19) VCF-style: chr8-134266802-C-T.
Other names: c.574G>A, p.Val192Met (NM_001135242.2, NM_001374845.1, NM_001374846.1); c.376G>A, p.Val126Met (NM_001258432.2, NM_001374847.1); c.331G>A, p.Val111Met (NM_001258433.2); c.625G>A, p.Val209Met (NM_001374844.1); short protein forms V192M, V111M, V126M, V209M.
Identifiers: ClinVar variation 1348644 (VCV001348644.5), dbSNP rs1256911364, ClinGen allele CA372255559.

ClinVar aggregate classification (germline): Uncertain significance (1 of 4 stars; one submission).

Conditions:
Charcot-Marie-Tooth disease type 4. Also called: Charcot-Marie-Tooth, Type 4; Charcot-Marie-Tooth disease, type IV. Identifiers: Orphanet 64749, MedGen C4082197, MONDO:0018995.

Allele frequency attached by ClinVar (database versions not stated): gnomAD exomes below 0.00001; gnomAD 0.00001; TOPMed 0.00002.
gnomAD v4.1: 7 of 1,613,974 alleles (0.00043%); highest among the groups gnomAD compares: African/African-American, 0.0013%; no homozygotes.

Submission:

Labcorp Genetics (formerly Invitae), Labcorp
Classification: Uncertain significance for Charcot-Marie-Tooth disease type 4. Last evaluated: 2021-09-24. Review status: criteria provided, single submitter. Criteria: Invitae Variant Classification Sherloc (09022015). Collection method: clinical testing. Allele origin: germline.
Comment: This sequence change replaces valine with methionine at codon 192 of the NDRG1 protein (p.Val192Met). The valine residue is weakly conserved and there is a small physicochemical difference between valine and methionine. This variant is not present in population databases (ExAC no frequency). This variant has not been reported in the literature in individuals with NDRG1-related conditions. Algorithms developed to predict the effect of missense changes on protein structure and function output the following: SIFT: "Tolerated"; PolyPhen-2: "Benign"; Align-GVGD: "Class C0". The methionine amino acid residue is found in multiple mammalian species, suggesting that this missense change does not adversely affect protein function. These predictions have not been confirmed by published functional studies and their clinical significance is uncertain. In summary, the available evidence is currently insufficient to determine the role of this variant in disease. Therefore, it has been classified as a Variant of Uncertain Significance.